The following is an entry in ClinVar:

NM_006623.4(PHGDH):c.127G>C (p.Ala43Pro)

Gene: PHGDH (phosphoglycerate dehydrogenase; plus strand). Cytogenetic location: 1p12.
Variant type: single nucleotide variant.
Coding change: c.127G>C on transcript NM_006623.4 (MANE Select); coding-DNA position 127, G replaced by C.
Protein change: p.Ala43Pro; replaces alanine 43 with proline.
Molecular consequence: missense variant.
Genome position (GRCh38, 1-based): chr1:119,712,149, G>C. VCF-style: chr1-119712149-G-C. GRCh37 (hg19) VCF-style: chr1-120254772-G-C.
Other names: short protein forms A43P.
Identifiers: ClinVar variation 1901031 (VCV001901031.2), dbSNP rs1557962025, ClinGen allele CA341415146.

ClinVar aggregate classification (germline): Uncertain significance (1 of 4 stars; one submission).

Conditions:
PHGDH deficiency. Identifiers: Orphanet 79351, MedGen C1866174, MONDO:0011152, OMIM 601815.

Allele frequency attached by ClinVar (database versions not stated): gnomAD 0.00001; gnomAD exomes 0.00001.
gnomAD v4.1: 4 of 1,613,956 alleles (0.00025%); highest among the groups gnomAD compares: Non-Finnish European, 0.00034%; no homozygotes.

Submission:

Labcorp Genetics (formerly Invitae), Labcorp
Classification: Uncertain significance for PHGDH deficiency. Last evaluated: 2022-07-14. Review status: criteria provided, single submitter. Criteria: Invitae Variant Classification Sherloc (09022015). Collection method: clinical testing. Allele origin: germline.
Comment: This sequence change replaces alanine, which is neutral and non-polar, with proline, which is neutral and non-polar, at codon 43 of the PHGDH protein (p.Ala43Pro). This variant is not present in population databases (gnomAD no frequency). This variant has not been reported in the literature in individuals affected with PHGDH-related conditions. Algorithms developed to predict the effect of missense changes on protein structure and function (SIFT, PolyPhen-2, Align-GVGD) all suggest that this variant is likely to be tolerated. In summary, the available evidence is currently insufficient to determine the role of this variant in disease. Therefore, it has been classified as a Variant of Uncertain Significance.